The following is an entry in ClinVar:

NM_031220.4(PITPNM3):c.1717C>T (p.Leu573Phe)

Gene: PITPNM3 (PITPNM family member 3; minus strand). Cytogenetic location: 17p13.2.
Variant type: single nucleotide variant.
Coding change: c.1717C>T on transcript NM_031220.4 (MANE Select); coding-DNA position 1717, C replaced by T.
Protein change: p.Leu573Phe; replaces leucine 573 with phenylalanine.
Molecular consequence: missense variant.
Genome position (GRCh38, 1-based): chr17:6,470,316, G>A on the plus strand (C>T on the coding strand, the complement: PITPNM3 is on the minus strand). VCF-style: chr17-6470316-G-A. GRCh37 (hg19) VCF-style: chr17-6373636-G-A.
Other names: c.1609C>T, p.Leu537Phe (NM_001165966.2); short protein forms L537F, L573F.
Identifiers: ClinVar variation 2005745 (VCV002005745.4), dbSNP rs762056449, ClinGen allele CA397404652.

ClinVar aggregate classification (germline): Uncertain significance (1 of 4 stars; one submission).

Submission:

Labcorp Genetics (formerly Invitae), Labcorp
Classification: Uncertain significance. Last evaluated: 2022-06-13. Review status: criteria provided, single submitter. Criteria: Invitae Variant Classification Sherloc (09022015). Collection method: clinical testing. Allele origin: germline.
Comment: Algorithms developed to predict the effect of missense changes on protein structure and function are either unavailable or do not agree on the potential impact of this missense change (SIFT: "Deleterious"; PolyPhen-2: "Probably Damaging"; Align-GVGD: "Class C0"). In summary, the available evidence is currently insufficient to determine the role of this variant in disease. Therefore, it has been classified as a Variant of Uncertain Significance. This variant has not been reported in the literature in individuals affected with PITPNM3-related conditions. This variant is not present in population databases (gnomAD no frequency). This sequence change replaces leucine, which is neutral and non-polar, with phenylalanine, which is neutral and non-polar, at codon 573 of the PITPNM3 protein (p.Leu573Phe).